The following is an entry in ClinVar:

ClinVar aggregate classification (germline): Uncertain significance (0 of 4 stars; one submission).

Submission:

Martin Pollak Laboratory,  Beth Israel Deaconess Medical Center
Classification: Uncertain significance. Review status: no assertion criteria provided. Collection method: not provided. Allele origin: unknown.
Comment: Higher UCa2+ group
ClinVar note: Converted during submission from unknown to Uncertain significance.

NM_153766.3(KCNJ1):c.1028A>C (p.Glu343Ala)

Gene: KCNJ1 (potassium inwardly rectifying channel subfamily J member 1; minus strand). Cytogenetic location: 11q24.3.
Variant type: single nucleotide variant.
Coding change: c.1028A>C on transcript NM_153766.3 (MANE Select); coding-DNA position 1028, A replaced by C.
Protein change: p.Glu343Ala; replaces glutamic acid 343 with alanine.
Molecular consequence: missense variant.
Genome position (GRCh38, 1-based): chr11:128,839,216, T>G on the plus strand (A>C on the coding strand, the complement: KCNJ1 is on the minus strand). VCF-style: chr11-128839216-T-G. GRCh37 (hg19) VCF-style: chr11-128709111-T-G.
Other names: c.1085A>C, p.Glu362Ala (NM_000220.6); c.1028A>C, p.Glu343Ala (NM_153764.3, NM_153767.4); c.1079A>C, p.Glu360Ala (NM_153765.3); short protein forms E343A, E362A, E360A.
Identifiers: ClinVar variation 64389 (VCV000064389.2), dbSNP rs387907435, ClinGen allele CA216035.